The following is an entry in ClinVar:

NM_000780.4(CYP7A1):c.1293G>T (p.Lys431Asn)

Gene: CYP7A1 (cytochrome P450 family 7 subfamily A member 1; minus strand). Cytogenetic location: 8q12.1.
Variant type: single nucleotide variant.
Coding change: c.1293G>T on transcript NM_000780.4 (MANE Select); coding-DNA position 1293, G replaced by T.
Protein change: p.Lys431Asn; replaces lysine 431 with asparagine.
Molecular consequence: missense variant.
Genome position (GRCh38, 1-based): chr8:58,491,697, C>A on the plus strand (G>T on the coding strand, the complement: CYP7A1 is on the minus strand). VCF-style: chr8-58491697-C-A. GRCh37 (hg19) VCF-style: chr8-59404256-C-A.
Other names: short protein forms K431N.
Identifiers: ClinVar variation 2360421 (VCV002360421.6), dbSNP rs370236722, ClinGen allele CA4756577.

ClinVar aggregate classification (germline): Uncertain significance. Review status: criteria provided, multiple submitters, no conflicts (2 of 4 stars). 3 submissions from 3 submitters: Uncertain significance (3). Last evaluated 2026-02-18.

Conditions:
CYP7A1-related disorder. Also called: CYP7A1-related condition.

Allele frequency attached by ClinVar (database versions not stated): ExAC 0.00002; gnomAD 0.00005; TOPMed 0.00006; ESP Exome Variant Server 0.00008; gnomAD exomes 0.00009.
gnomAD v4.1: 139 of 1,613,668 alleles (0.0086%); highest among the groups gnomAD compares: Non-Finnish European, 0.011%; no homozygotes.

Submissions (3):

PreventionGenetics, part of Exact Sciences
Classification: Uncertain significance for CYP7A1-related condition. Last evaluated: 2026-02-18. Review status: criteria provided, single submitter. Criteria: ACMG Guidelines, 2015. Collection method: clinical testing. Allele origin: germline.
Comment: The CYP7A1 c.1293G>T variant is predicted to result in the amino acid substitution p.Lys431Asn. To our knowledge, this variant has not been reported in the literature. This variant is reported in 0.0093% of alleles in individuals of European (Non-Finnish) descent in gnomAD. At this time, the clinical significance of this variant is uncertain due to the absence of conclusive functional and genetic evidence.

Ambry Genetics
Classification: Uncertain significance. Last evaluated: 2025-11-11. Review status: criteria provided, single submitter. Criteria: Ambry Variant Classification Scheme 2023. Collection method: clinical testing. Allele origin: germline.

Labcorp Genetics (formerly Invitae), Labcorp
Classification: Uncertain significance. Last evaluated: 2025-08-03. Review status: criteria provided, single submitter. Criteria: Invitae Variant Classification Sherloc (09022015). Collection method: clinical testing. Allele origin: germline.
Comment: This sequence change replaces lysine, which is basic and polar, with asparagine, which is neutral and polar, at codon 431 of the CYP7A1 protein (p.Lys431Asn). This variant is present in population databases (rs370236722, gnomAD 0.01%). This variant has not been reported in the literature in individuals affected with CYP7A1-related conditions. ClinVar contains an entry for this variant (Variation ID: 2360421). Invitae Evidence Modeling of protein sequence and biophysical properties (such as structural, functional, and spatial information, amino acid conservation, physicochemical variation, residue mobility, and thermodynamic stability) has been performed for this missense variant. However, the output from this modeling did not meet the statistical confidence thresholds required to predict the impact of this variant on CYP7A1 protein function. In summary, the available evidence is currently insufficient to determine the role of this variant in disease. Therefore, it has been classified as a Variant of Uncertain Significance.